The following is an entry in ClinVar:

ClinVar aggregate classification (germline): Conflicting classifications of pathogenicity. Review status: criteria provided, conflicting classifications (1 of 4 stars). 4 submissions from 4 submitters: Uncertain significance (3); Likely benign (1). Last evaluated 2025-11-20.

Conditions:
Ullrich congenital muscular dystrophy. Also called: Ullrich muscular dystrophy; Ullrich Congenital Muscular Dystrophy (UCMD). Identifiers: Orphanet 75840, MedGen C4551860, MONDO:0000355.
Bethlem myopathy. Identifiers: Orphanet 610, MedGen C1834674, MONDO:0008029.
Ullrich congenital muscular dystrophy 2 (UCMD2). Identifiers: Orphanet 75840, MedGen C4225314, MONDO:0014654, OMIM 616470.
Bethlem myopathy 2 (BTHLM2). Identifiers: Orphanet 536516, Orphanet 610, MedGen C4225313, MONDO:0034022, OMIM 616471.

Allele frequency attached by ClinVar (database versions not stated): gnomAD exomes 0.00003 and 0.00011; ExAC 0.00019; gnomAD 0.00040 and 0.00041; TOPMed 0.00049; ESP Exome Variant Server 0.00057; 1000 Genomes Project 0.00100; 1000 Genomes Project 30x 0.00109.

Submissions (4):

GeneDx
Classification: Uncertain significance. Last evaluated: 2025-11-20. Review status: criteria provided, single submitter. Criteria: GeneDx Variant Classification Process June 2021. Collection method: clinical testing. Allele origin: germline. Affected: yes.
Comment: In silico analysis supports that this missense variant has a deleterious effect on protein structure/function; Has not been previously published as pathogenic or benign to our knowledge

Mayo Clinic Laboratories, Mayo Clinic
Classification: Uncertain significance. Last evaluated: 2025-09-13. Review status: criteria provided, single submitter. Criteria: ACMG Guidelines, 2015. Collection method: clinical testing. Allele origin: germline. Observed: 1 variant allele.
Comment: BS1

Labcorp Genetics (formerly Invitae), Labcorp
Classification: Likely benign for Bethlem myopathy 2; Ullrich congenital muscular dystrophy 2. Last evaluated: 2025-07-25. Review status: criteria provided, single submitter. Criteria: Invitae Variant Classification Sherloc (09022015). Collection method: clinical testing. Allele origin: germline.

Revvity Omics, Revvity
Classification: Uncertain significance. Last evaluated: 2020-06-19. Review status: criteria provided, single submitter. Criteria: ACMG Guidelines, 2015. Collection method: clinical testing. Allele origin: germline.

NM_004370.6(COL12A1):c.7690C>T (p.Pro2564Ser)

Gene: COL12A1 (collagen type XII alpha 1 chain; minus strand). Cytogenetic location: 6q13.
Variant type: single nucleotide variant.
Coding change: c.7690C>T on transcript NM_004370.6 (MANE Select); coding-DNA position 7690, C replaced by T.
Protein change: p.Pro2564Ser; replaces proline 2564 with serine.
Molecular consequence: missense variant.
Genome position (GRCh38, 1-based): chr6:75,115,791, G>A on the plus strand (C>T on the coding strand, the complement: COL12A1 is on the minus strand). VCF-style: chr6-75115791-G-A. GRCh37 (hg19) VCF-style: chr6-75825507-G-A.
Other names: p.Pro2564Ser; c.4198C>T, p.Pro1400Ser (NM_080645.3); short protein forms P2564S, P1400S.
Identifiers: ClinVar variation 542500 (VCV000542500.19), dbSNP rs199724285, ClinGen allele CA3892499.